The following is an entry in ClinVar:

ClinVar aggregate classification (germline): Likely pathogenic (1 of 4 stars; one submission).

Conditions:
Polycystic kidney disease 2 (PKD2). Also called: Polycystic Kidney Disease 2, Autosomal Dominant; POLYCYSTIC KIDNEY DISEASE, ADULT, TYPE II; POLYCYSTIC KIDNEY DISEASE 2 WITH OR WITHOUT POLYCYSTIC LIVER DISEASE. Identifiers: MedGen C2751306, MONDO:0013131, OMIM 613095.

Submission:

Medical Genetics Center, Maternal and Child Health Hospital of Hubei Province
Classification: Likely pathogenic for Polycystic kidney disease 2. Last evaluated: 2023-12-22. Review status: criteria provided, single submitter. Criteria: ACMG Guidelines, 2015. Collection method: clinical testing. Allele origin: paternal. Affected: yes.
Comment: PVS1+PM2_Supporting

NM_000297.4(PKD2):c.473_474dup (p.Asp159fs)

Genes: PKD2 (polycystin 2, transient receptor potential cation channel; plus strand), LOC129992813 (ATAC-STARR-seq lymphoblastoid silent region 15559; plus strand). Cytogenetic location: 4q22.1.
Variant type: Microsatellite.
Coding change: c.473_474dup on transcript NM_000297.4 (MANE Select); coding-DNA positions 473 to 474, 2 bases duplicated (AG; older notation c.473_474dupAG).
Protein change: p.Asp159fs; shifts the reading frame from aspartic acid 159.
Molecular consequence: frameshift variant. On other transcripts: non-coding transcript variant (1).
Genome position (GRCh38, 1-based): chr4:88,008,206-88,008,207, AG duplicated; duplicating any 2 consecutive bases within chr4:88,008,203-88,008,207 gives the same sequence; the c. name uses the placement nearest the transcript's 3' end. VCF-style (leftmost placement, unchanged base first): chr4-88008202-C-CGA. GRCh37 (hg19) VCF-style: chr4-88929354-C-CGA.
Other names: c.473_474dup, p.Asp159fs (NM_001440544.1); short protein forms D159fs.
Identifiers: ClinVar variation 4890679 (VCV004890679.1).